The following is an entry in ClinVar:

NM_000157.4(GBA1):c.203C>A (p.Pro68Gln)

Genes: GBA1 (glucosylceramidase beta 1; minus strand), LOC106627981 (GBA recombination region; plus strand). Cytogenetic location: 1q22.
Variant type: single nucleotide variant.
Coding change: c.203C>A on transcript NM_000157.4 (MANE Select); coding-DNA position 203, C replaced by A.
Protein change: p.Pro68Gln; replaces proline 68 with glutamine.
Molecular consequence: missense variant. On other transcripts: 5 prime UTR variant (1).
Genome position (GRCh38, 1-based): chr1:155,239,990, G>T on the plus strand (C>A on the coding strand, the complement: GBA1 is on the minus strand). VCF-style: chr1-155239990-G-T. GRCh37 (hg19) VCF-style: chr1-155209781-G-T.
Other names: c.203C>A, p.Pro68Gln (NM_001005741.3, NM_001005742.3, NM_001171812.2); c.-59C>A (NM_001171811.2); short protein forms P68Q.
Identifiers: ClinVar variation 4535385 (VCV004535385.6).

ClinVar aggregate classification (germline): Uncertain significance (1 of 4 stars; one submission).

Submission:

CeGaT Center for Human Genetics Tuebingen
Classification: Uncertain significance. Last evaluated: 2025-11-01. Review status: criteria provided, single submitter. Criteria: CeGaT Center For Human Genetics Tuebingen Variant Classification Criteria Version 2. Collection method: clinical testing. Allele origin: germline. Affected: yes. Observed: 1 variant allele.
Comment: GBA1: PM2